The following is an entry in ClinVar:

ClinVar aggregate classification (germline): Conflicting classifications of pathogenicity. Review status: criteria provided, conflicting classifications (1 of 4 stars). 2 submissions from 2 submitters: Uncertain significance (1); Likely benign (1). Last evaluated 2024-12-31.

Conditions:
Hereditary cancer-predisposing syndrome. Also called: Neoplastic Syndromes, Hereditary; Hereditary Cancer Syndrome; Hereditary neoplastic syndrome; Tumor predisposition. Identifiers: Orphanet 140162, MedGen C0027672, MeSH D009386, MONDO:0015356.

Submissions (2):

Ambry Genetics
Classification: Uncertain significance for Hereditary cancer-predisposing syndrome. Last evaluated: 2024-12-31. Review status: criteria provided, single submitter. Criteria: Ambry Variant Classification Scheme 2023. Collection method: clinical testing. Allele origin: germline.
Comment: The c.1983C>T variant (also known as p.S661S), located in coding exon 14 of the MSH3 gene, results from a C to T substitution at nucleotide position 1983. This nucleotide substitution does not change the serine at codon 661. This nucleotide position is not well conserved in available vertebrate species. In silico splice site analysis for this alteration is inconclusive. Based on the available evidence, the clinical significance of this variant remains unclear.

Labcorp Genetics (formerly Invitae), Labcorp
Classification: Likely benign. Last evaluated: 2024-09-27. Review status: criteria provided, single submitter. Criteria: Invitae Variant Classification Sherloc (09022015). Collection method: clinical testing. Allele origin: germline.

NM_002439.5(MSH3):c.1983C>T (p.Ser661=)

Gene: MSH3 (mutS homolog 3; plus strand). Cytogenetic location: 5q14.1.
Variant type: single nucleotide variant.
Coding change: c.1983C>T on transcript NM_002439.5 (MANE Select); coding-DNA position 1983, C replaced by T.
Protein change: p.Ser661=; no amino-acid change (serine 661 retained).
Molecular consequence: synonymous variant.
Genome position (GRCh38, 1-based): chr5:80,768,019, C>T. VCF-style: chr5-80768019-C-T. GRCh37 (hg19) VCF-style: chr5-80063838-C-T.
Other names: c.1983C>T (NM_002439.3).
Identifiers: ClinVar variation 1121593 (VCV001121593.10), dbSNP rs1353328963, ClinGen allele CA445162945.